The following is an entry in ClinVar:

ClinVar aggregate classification (germline): Benign (1 of 4 stars; one submission).

Conditions:
Familial cancer of breast. Also called: hereditary breast carcinoma; Hereditary breast cancer; BREAST CANCER, FAMILIAL. Identifiers: Orphanet 227535, MedGen C0346153, MONDO:0016419, OMIM 114480. Disease mechanism: loss of function.

Submission:

Myriad Genetics, Inc.
Classification: Benign for Familial cancer of breast. Last evaluated: 2024-07-24. Review status: criteria provided, single submitter. Criteria: Myriad Autosomal Dominant, Autosomal Recessive and X-Linked Classification Criteria (2023). Collection method: clinical testing. Allele origin: unknown.
Comment: This variant is considered benign. This variant is a silent/synonymous amino acid change and it is not expected to impact splicing.

NM_000465.4(BARD1):c.1050_1053delinsGACC (p.Gln350_Thr351=)

Gene: BARD1 (BRCA1 associated RING domain 1; minus strand). Cytogenetic location: 2q35.
Variant type: Indel.
Coding change: c.1050_1053delinsGACC on transcript NM_000465.4 (MANE Select); coding-DNA positions 1050 to 1053, AACG replaced by GACC.
Protein change: p.Gln350_Thr351=.
Molecular consequence: synonymous variant. On other transcripts: non-coding transcript variant (2), intron variant (3).
Genome position (GRCh38, 1-based): chr2:214,780,821-214,780,824, CGTT replaced by GGTC on the plus strand (AACG replaced by GACC on the coding strand, the reverse complement: BARD1 is on the minus strand). VCF-style: chr2-214780821-CGTT-GGTC. GRCh37 (hg19) VCF-style: chr2-215645545-CGTT-GGTC.
Other names: c.993_996delinsGACC, p.Gln331_Thr332= (NM_001282543.2); c.159-28269_159-28266delinsGACC (NM_001282548.2); c.215+16237_215+16240delinsGACC (NM_001282545.2); c.364+11473_364+11476delinsGACC (NM_001282549.2).
Identifiers: ClinVar variation 3378800 (VCV003378800.1).
Genomic context (GRCh38, chr2:214,780,821, plus strand): 5'-TTTACGTTTGCATGAAGGTGGTGAAGAACATTCAGGCAATGGTATATTTTCTGAGGGCAC[CGTT>GGTC]TGCTTAACAAAATCTCCACTGGTGCTCAGAATGCTGGTTCTACATCTCTTAGAAATGGGA-3'